The following is an entry in ClinVar:

ClinVar aggregate classification (germline): Pathogenic (1 of 4 stars; one submission).

Conditions:
Acute infantile liver failure due to synthesis defect of mtDNA-encoded proteins. Also called: TRMU Deficiency; LIVER FAILURE, INFANTILE, TRANSIENT; Liver failure acute infantile. Identifiers: Orphanet 217371, MedGen C3278664, MONDO:0013111, OMIM 613070.

gnomAD v4.1: 1 of 1,614,104 alleles (0.000062%); highest among the groups gnomAD compares: Admixed American, 0.0017%; no homozygotes.

Submission:

Women's Health and Genetics/Laboratory Corporation of America, LabCorp
Classification: Pathogenic for Acute infantile liver failure due to synthesis defect of mtDNA-encoded proteins. Last evaluated: 2024-10-16. Review status: criteria provided, single submitter. Criteria: LabCorp Variant Classification Summary - May 2015. Collection method: clinical testing. Allele origin: germline.
Comment: Variant summary: NBAS c.1284G>A (p.Trp428X) results in a premature termination codon, predicted to cause a truncation of the encoded protein or absence of the protein due to nonsense mediated decay, which are commonly known mechanisms for disease. The variant allele was found at a frequency of 4e-06 in 251366 control chromosomes (gnomAD). To our knowledge, To our knowledge, no occurrence of c.1284G>A in individuals affected with Liver Failure Acute Infantile, Type 2 and no experimental evidence demonstrating an impact on protein function has been reported. The following publication have been ascertained in the context of this evaluation (PMID: 31964843). No submitters have cited clinical-significance assessments for this variant to ClinVar. Based on the evidence outlined above, the variant was classified as pathogenic.

Literature cited by the submitters: PubMed 31964843.

NM_015909.4(NBAS):c.1284G>A (p.Trp428Ter)

Gene: NBAS (NBAS subunit of NRZ tethering complex; minus strand). Cytogenetic location: 2p24.3.
Variant type: single nucleotide variant.
Coding change: c.1284G>A on transcript NM_015909.4 (MANE Select); coding-DNA position 1284, G replaced by A.
Protein change: p.Trp428Ter; replaces tryptophan 428 with a stop codon.
Molecular consequence: nonsense. On other transcripts: non-coding transcript variant (1).
Genome position (GRCh38, 1-based): chr2:15,475,744, C>T on the plus strand (G>A on the coding strand, the complement: NBAS is on the minus strand). VCF-style: chr2-15475744-C-T. GRCh37 (hg19) VCF-style: chr2-15615868-C-T.
Other names: short protein forms W428*.
Identifiers: ClinVar variation 3385250 (VCV003385250.1).
Genomic context (GRCh38, chr2:15,475,744, plus strand): 5'-TACCTCCAAACTTAAAAATCCCCCATCATGGGTAGCAGTGACTTGAGGTGATGGTTCAAA[C>T]CATTCACAGGATTTTCCCAGTAAATTCTTCAAAGTTTTCACAGATGAAACAGTTAAAGCA-3'